The following is an entry in ClinVar:

ClinVar aggregate classification (germline): Uncertain significance. Review status: criteria provided, multiple submitters, no conflicts (2 of 4 stars). 2 submissions from 2 submitters: Uncertain significance (2). Last evaluated 2023-07-10.

Conditions:
Primary immunodeficiency with post-measles-mumps-rubella vaccine viral infection. Also called: Immunodeficiency 44. Identifiers: Orphanet 431166, MedGen C4225260, MONDO:0014715, OMIM 616636.

Allele frequency attached by ClinVar (database versions not stated): gnomAD exomes below 0.00001 and 0.00001; gnomAD 0.00001; TOPMed 0.00005.
gnomAD v4.1: 26 of 1,612,144 alleles (0.0016%); highest among the groups gnomAD compares: Middle Eastern, 0.26%; 1 homozygote.

Submissions (2):

Labcorp Genetics (formerly Invitae), Labcorp
Classification: Uncertain significance for Primary immunodeficiency with post-measles-mumps-rubella vaccine viral infection. Last evaluated: 2023-07-10. Review status: criteria provided, single submitter. Criteria: Invitae Variant Classification Sherloc (09022015). Collection method: clinical testing. Allele origin: germline.
Comment: This sequence change replaces proline, which is neutral and non-polar, with serine, which is neutral and polar, at codon 731 of the STAT2 protein (p.Pro731Ser). This variant is present in population databases (no rsID available, gnomAD 0.004%). This variant has not been reported in the literature in individuals affected with STAT2-related conditions. ClinVar contains an entry for this variant (Variation ID: 650367). Advanced modeling of protein sequence and biophysical properties (such as structural, functional, and spatial information, amino acid conservation, physicochemical variation, residue mobility, and thermodynamic stability) performed at Invitae indicates that this missense variant is not expected to disrupt STAT2 protein function. In summary, the available evidence is currently insufficient to determine the role of this variant in disease. Therefore, it has been classified as a Variant of Uncertain Significance.

Blueprint Genetics
Classification: Uncertain significance. Last evaluated: 2023-01-25. Review status: criteria provided, single submitter. Criteria: ACMG Guidelines, 2015. Collection method: clinical testing. Allele origin: germline.

NM_005419.4(STAT2):c.2191C>T (p.Pro731Ser)

Gene: STAT2 (signal transducer and activator of transcription 2; minus strand). Cytogenetic location: 12q13.3.
Variant type: single nucleotide variant.
Coding change: c.2191C>T on transcript NM_005419.4 (MANE Select); coding-DNA position 2191, C replaced by T.
Protein change: p.Pro731Ser; replaces proline 731 with serine.
Molecular consequence: missense variant.
Genome position (GRCh38, 1-based): chr12:56,344,047, G>A on the plus strand (C>T on the coding strand, the complement: STAT2 is on the minus strand). VCF-style: chr12-56344047-G-A. GRCh37 (hg19) VCF-style: chr12-56737831-G-A.
Other names: c.2179C>T, p.Pro727Ser (NM_198332.2); c.2191C>T, p.Pro731Ser (LRG_1329t1); short protein forms P731S, P727S.
Identifiers: ClinVar variation 650367 (VCV000650367.5), dbSNP rs955030312, ClinGen allele CA237645173.